The following is an entry in ClinVar:

ClinVar aggregate classification (germline): Uncertain significance (1 of 4 stars; one submission).

Conditions:
Hereditary spastic paraplegia 4. Also called: Spastic paraplegia 4, autosomal dominant; Spastic Paraplegia 4; Familial spastic paraplegia autosomal dominant 2. Identifiers: Orphanet 100985, MedGen C1866855, MONDO:0008438, OMIM 182601.

Submission:

Labcorp Genetics (formerly Invitae), Labcorp
Classification: Uncertain significance for Hereditary spastic paraplegia 4. Last evaluated: 2020-11-15. Review status: criteria provided, single submitter. Criteria: Invitae Variant Classification Sherloc (09022015). Collection method: clinical testing. Allele origin: germline.
Comment: This variant has not been reported in the literature in individuals with SPAST-related conditions. In summary, the available evidence is currently insufficient to determine the role of this variant in disease. Therefore, it has been classified as a Variant of Uncertain Significance. Nucleotide substitutions within the consensus splice site are a relatively common cause of aberrant splicing (PMID: 17576681, 9536098). Algorithms developed to predict the effect of sequence changes on RNA splicing suggest that this variant may disrupt the consensus splice site, but this prediction has not been confirmed by published transcriptional studies. This variant is not present in population databases (ExAC no frequency). This sequence change falls in intron 13 of the SPAST gene. It does not directly change the encoded amino acid sequence of the SPAST protein. It affects a nucleotide within the consensus splice site of the intron.

Literature cited by the submitters: PubMed 17576681; PubMed 9536098.

NM_014946.4(SPAST):c.1537-3C>G

Gene: SPAST (spastin; plus strand). Cytogenetic location: 2p22.3.
Variant type: single nucleotide variant.
Coding change: c.1537-3C>G on transcript NM_014946.4 (MANE Select); 3 bases into the intron before coding-DNA position 1537, C replaced by G.
Molecular consequence: intron variant.
Genome position (GRCh38, 1-based): chr2:32,143,333, C>G. VCF-style: chr2-32143333-C-G. GRCh37 (hg19) VCF-style: chr2-32368402-C-G.
Other names: c.1441-3C>G (NM_199436.2, NM_001377959.1); c.1534-3C>G (NM_001363823.2); c.1438-3C>G (NM_001363875.2).
Identifiers: ClinVar variation 1471537 (VCV001471537.6), dbSNP rs2148759356, ClinGen allele CA2573134508.